The following is an entry in ClinVar:

ClinVar aggregate classification (germline): Likely benign (1 of 4 stars; one submission).

Conditions:
PKD1L1-related disorder. Also called: PKD1L1-related condition.

gnomAD v4.1: 3 of 1,614,076 alleles (0.00019%); highest among the groups gnomAD compares: East Asian, 0.0045%; no homozygotes.

Submission:

PreventionGenetics, part of Exact Sciences
Classification: Likely benign for PKD1L1-related condition. Last evaluated: 2026-09-22. Review status: criteria provided, single submitter. Criteria: ACMG Guidelines, 2015. Collection method: clinical testing. Allele origin: germline.
Comment: This variant is classified as likely benign based on ACMG/AMP sequence variant interpretation guidelines (Richards et al. 2015 PMID: 25741868, with internal and published modifications).

NM_138295.5(PKD1L1):c.8439C>A (p.Pro2813=)

Gene: PKD1L1 (polycystin 1 like 1, transient receptor potential channel interacting; minus strand). Cytogenetic location: 7p12.3.
Variant type: single nucleotide variant.
Coding change: c.8439C>A on transcript NM_138295.5 (MANE Select); coding-DNA position 8439, C replaced by A.
Protein change: p.Pro2813=; no amino-acid change (proline 2813 retained).
Molecular consequence: synonymous variant.
Genome position (GRCh38, 1-based): chr7:47,792,714, G>T on the plus strand (C>A on the coding strand, the complement: PKD1L1 is on the minus strand). VCF-style: chr7-47792714-G-T. GRCh37 (hg19) VCF-style: chr7-47832312-G-T.
Identifiers: ClinVar variation 4988291 (VCV004988291.1).